The following is an entry in ClinVar:

ClinVar aggregate classification (germline): Pathogenic (1 of 4 stars; one submission).

Conditions:
Ataxia-telangiectasia syndrome (AT). Also called: ATAXIA-TELANGIECTASIA, COMPLEMENTATION GROUP A; ATAXIA-TELANGIECTASIA, FRESNO VARIANT; Ataxia-telangiectasia; Ataxia-telangiectasia, complementation group D; Ataxia-telangiectasia, complementation group E; AT, COMPLEMENTATION GROUP C. Identifiers: Orphanet 100, MedGen C0004135, MONDO:0008840, OMIM 208900.

Submission:

Labcorp Genetics (formerly Invitae), Labcorp
Classification: Pathogenic for Ataxia-telangiectasia syndrome. Last evaluated: 2024-11-27. Review status: criteria provided, single submitter. Criteria: Invitae Variant Classification Sherloc (09022015). Collection method: clinical testing. Allele origin: germline.
Comment: This sequence change creates a premature translational stop signal (p.Ile191Asnfs*13) in the ATM gene. It is expected to result in an absent or disrupted protein product. Loss-of-function variants in ATM are known to be pathogenic (PMID: 23807571, 25614872). This variant is not present in population databases (gnomAD no frequency). This variant has not been reported in the literature in individuals affected with ATM-related conditions. Algorithms developed to predict the effect of sequence changes on RNA splicing suggest that this variant may disrupt the consensus splice site. For these reasons, this variant has been classified as Pathogenic.

Literature cited by the submitters: PubMed 23807571; PubMed 25614872.

NM_000051.4(ATM):c.571dup (p.Ile191fs)

Gene: ATM (ATM serine/threonine kinase; plus strand). Cytogenetic location: 11q22.3.
Variant type: Duplication.
Coding change: c.571dup on transcript NM_000051.4 (MANE Select); coding-DNA position 571, one base duplicated (A; older notation c.571dupA).
Protein change: p.Ile191fs; shifts the reading frame from isoleucine 191.
Molecular consequence: frameshift variant.
Genome position (GRCh38, 1-based): chr11:108,244,027, A duplicated; the last of 2 consecutive A bases (chr11:108,244,026-108,244,027); duplicating either gives the same sequence. VCF-style (leftmost placement, unchanged base first): chr11-108244025-T-TA. GRCh37 (hg19) VCF-style: chr11-108114752-T-TA.
Other names: c.571dup, p.Ile191fs (NM_001351834.2); short protein forms I191fs.
Identifiers: ClinVar variation 3725321 (VCV003725321.2).